The following is an entry in ClinVar:

ClinVar aggregate classification (germline): Uncertain significance (1 of 4 stars; one submission).

Submission:

GeneDx
Classification: Uncertain significance. Last evaluated: 2024-11-11. Review status: criteria provided, single submitter. Criteria: GeneDx Variant Classification Process June 2021. Collection method: clinical testing. Allele origin: germline. Affected: yes.
Comment: Not observed at significant frequency in large population cohorts (gnomAD); In silico analysis indicates that this missense variant does not alter protein structure/function; Has not been previously published as pathogenic or benign to our knowledge

NM_020066.5(FMN2):c.248A>G (p.Asn83Ser)

Gene: FMN2 (formin 2; plus strand). Cytogenetic location: 1q43.
Variant type: single nucleotide variant.
Coding change: c.248A>G on transcript NM_020066.5 (MANE Select); coding-DNA position 248, A replaced by G.
Protein change: p.Asn83Ser; replaces asparagine 83 with serine.
Molecular consequence: missense variant.
Genome position (GRCh38, 1-based): chr1:240,092,357, A>G. VCF-style: chr1-240092357-A-G. GRCh37 (hg19) VCF-style: chr1-240255657-A-G.
Other names: c.248A>G, p.Asn83Ser (NM_001305424.2, NM_001348094.2); short protein forms N83S.
Identifiers: ClinVar variation 3898968 (VCV003898968.1).